The following is an entry in ClinVar:

ClinVar aggregate classification (germline): Pathogenic (0 of 4 stars; one submission).

Conditions:
Generalized juvenile polyposis/juvenile polyposis coli. Also called: Juvenile polyposis coli. Identifiers: Orphanet 329971, MedGen C1868081, MONDO:0008276.

Submission:

Department of Pathology and Laboratory Medicine, Sinai Health System
Classification: Pathogenic for Generalized juvenile polyposis/juvenile polyposis coli. Review status: no assertion criteria provided. Collection method: clinical testing. Allele origin: unknown. Affected: yes. Study: The Canadian Open Genetics Repository (COGR).
Comment: The STK11 c.1-?_1302+?del variant (chr:19 g.1206913_1226646del GRCh37) results in a deletion of the entire coding region of the gene (exons 1-10), although the precise breakpoints of this deletion were not determined, nor were the effects of this variant on the resulting mRNA or protein product determined. The variant was also identified in LOVD 3.0 and in Insight Database. The variant was not identified in dbSNP, or ClinVar. The variant was not identified in the following control databases: the Exome Aggregation Consortium (August 8th 2016), or the Genome Aggregation Database (Feb 27, 2017). This alteration is predicted to result in an absent protein and loss of function. Loss of function variants of the STK11 gene are an established mechanism of disease in Peutz-Jegher Syndrome and is the type of variant expected to cause the disorder. In summary, based on the above information this variant meets our laboratoryâ€šÃ„Ã´s criteria to be classified as pathogenic.

NM_000455.5(STK11):c.-2_290+1013del

Genes: STK11 (serine/threonine kinase 11; plus strand), LOC125371447 (Sharpr-MPRA regulatory region 13808; plus strand), LOC130062896 (ATAC-STARR-seq lymphoblastoid active region 13594; plus strand). Cytogenetic location: 19p13.3.
Variant type: Deletion.
Coding change: c.-2_290+1013del on transcript NM_000455.5 (MANE Select); 2 bases upstream of the start codon through 1013 bases into the intron after coding-DNA position 290, 1,305 bases deleted.
Molecular consequence: splice donor variant, initiator codon variant.
Genome position (GRCh38, 1-based): chr19:1,206,912-1,208,216, 1,305 bases deleted. GRCh37 (hg19): chr19:1,206,911-1,208,215.
Identifiers: ClinVar variation 1050750 (VCV001050750.2), ClinGen allele CA2499225350.